The following is an entry in ClinVar:

ClinVar aggregate classification (germline): Uncertain significance. Review status: criteria provided, single submitter (1 of 4 stars). 3 submissions from 3 submitters: Uncertain significance (1). 2 of the submissions do not count toward it. Last evaluated 2024-08-19.

Conditions:
Diabetes mellitus type 2, susceptibility to. Identifiers: MedGen C3837967.
PDX1-related disorder. Also called: PDX1-related disorders; PDX1-related condition.

Allele frequency attached by ClinVar (database versions not stated): gnomAD exomes below 0.00001 and 0.00001; TOPMed below 0.00001; gnomAD 0.00001.
gnomAD v4.1: 10 of 1,540,744 alleles (0.00065%); highest among the groups gnomAD compares: Middle Eastern, 0.019%; no homozygotes.

Submissions (3):

Labcorp Genetics (formerly Invitae), Labcorp
Classification: Uncertain significance. Last evaluated: 2024-08-19. Review status: criteria provided, single submitter. Criteria: Invitae Variant Classification Sherloc (09022015). Collection method: clinical testing. Allele origin: germline.
Comment: This sequence change replaces glutamine, which is neutral and polar, with leucine, which is neutral and non-polar, at codon 59 of the PDX1 protein (p.Gln59Leu). This variant is present in population databases (rs137852784, gnomAD 0.005%). This missense change has been observed in individual(s) with type 2 diabetes (PMID: 10545531, 11022198). ClinVar contains an entry for this variant (Variation ID: 8860). Invitae Evidence Modeling of protein sequence and biophysical properties (such as structural, functional, and spatial information, amino acid conservation, physicochemical variation, residue mobility, and thermodynamic stability) indicates that this missense variant is not expected to disrupt PDX1 protein function with a negative predictive value of 80%. Experimental studies have shown that this missense change affects PDX1 function (PMID: 10545531, 12099699). In summary, the available evidence is currently insufficient to determine the role of this variant in disease. Therefore, it has been classified as a Variant of Uncertain Significance.

PreventionGenetics, part of Exact Sciences
Classification: Uncertain significance for PDX1-related condition. Last evaluated: 2024-07-16. Review status: no assertion criteria provided. Collection method: clinical testing. Allele origin: germline. Not counted in ClinVar's aggregate classification.
Comment: The PDX1 c.176A>T variant is predicted to result in the amino acid substitution p.Gln59Leu. This variant was reported in an individual with Diabetes mellitus, type 2 (Hani et al 1999. PubMed ID: 10545531; Ozcan S et al 2002. PubMed ID: 12099699; Bonnefond A et al 2020. PubMed ID: 33046911). This variant is reported in 0.0046% of alleles in individuals of South Asian descent in gnomAD. At this time, the clinical significance of this variant is uncertain due to the absence of conclusive functional and genetic evidence.

OMIM
Classification: risk factor for TYPE 2 DIABETES MELLITUS, SUSCEPTIBILITY TO. Last evaluated: 1999-11-01. Review status: no assertion criteria provided. Collection method: literature only. Allele origin: germline. Not counted in ClinVar's aggregate classification.

Literature cited by the submitters: PubMed 10545531 (cited by Labcorp Genetics (formerly Invitae), Labcorp and OMIM); PubMed 11022198 (cited by Labcorp Genetics (formerly Invitae), Labcorp); PubMed 12099699 (cited by Labcorp Genetics (formerly Invitae), Labcorp).

NM_000209.4(PDX1):c.176A>T (p.Gln59Leu)

Gene: PDX1 (pancreatic and duodenal homeobox 1; plus strand). Cytogenetic location: 13q12.2.
Variant type: single nucleotide variant.
Coding change: c.176A>T on transcript NM_000209.4 (MANE Select); coding-DNA position 176, A replaced by T.
Protein change: p.Gln59Leu; replaces glutamine 59 with leucine.
Molecular consequence: missense variant.
Genome position (GRCh38, 1-based): chr13:27,920,314, A>T. VCF-style: chr13-27920314-A-T. GRCh37 (hg19) VCF-style: chr13-28494451-A-T.
Other names: c.176A>T (NM_000209.3); short protein forms Q59L.
Identifiers: ClinVar variation 8860 (VCV000008860.8), dbSNP rs137852784, ClinGen allele CA325634.
Genomic context (GRCh38, chr13:27,920,314, plus strand): 5'-GCCGCCAGCCCCCGCCGCCGCCGCCGCACCCGTTCCCTGGCGCCCTGGGCGCGCTGGAGC[A>T]GGGCAGCCCCCCGGACATCTCCCCGTACGAGGTGCCCCCCCTCGCCGACGACCCCGCGGT-3'
Protein context (NP_000200.1, residues 49-69): PFPGALGALE[Gln59Leu]GSPPDISPYE